The following is an entry in ClinVar:

ClinVar aggregate classification (germline): Uncertain significance. Review status: criteria provided, multiple submitters, no conflicts (2 of 4 stars). 2 submissions from 2 submitters: Uncertain significance (2). Last evaluated 2023-06-26.

Conditions:
Hereditary cancer-predisposing syndrome. Also called: Tumor predisposition; Hereditary neoplastic syndrome; Hereditary Cancer Syndrome; Neoplastic Syndromes, Hereditary. Identifiers: Orphanet 140162, MedGen C0027672, MeSH D009386, MONDO:0015356.
Lynch syndrome. Identifiers: Orphanet 144, MedGen C4552100, MONDO:0005835. Disease mechanism: loss of function.

Allele frequency attached by ClinVar (database versions not stated): gnomAD 0.00001; TOPMed 0.00001.
gnomAD v4.1: 7 of 1,612,414 alleles (0.00043%); highest among the groups gnomAD compares: Non-Finnish European, 0.00059%; no homozygotes.

Submissions (2):

All of Us Research Program, National Institutes of Health
Classification: Uncertain significance for Lynch syndrome. Last evaluated: 2023-06-26. Review status: criteria provided, single submitter. Criteria: ACMG Guidelines, 2015. Collection method: clinical testing. Allele origin: germline. Inheritance: Autosomal dominant inheritance. Observed: 1 variant allele, 1 heterozygote.
Comment: This variant is located in the 5' untranslated region of the PMS2 gene. To our knowledge, functional studies have not been reported for this variant. This variant has not been reported in individuals affected with PMS2-related disorders in the literature. This variant has not been identified in the general population by the Genome Aggregation Database (gnomAD). The available evidence is insufficient to determine the role of this variant in disease conclusively. Therefore, this variant is classified as a Variant of Uncertain Significance.

This study involves interpretation of variants in research participants for the purpose of population health screening. Participant phenotype was not available at the time of variant classification. Additional details can be found in publication PMID: 35346344, PMCID: PMC8962531

Color Diagnostics, LLC DBA Color Health
Classification: Uncertain significance for Hereditary cancer-predisposing syndrome. Last evaluated: 2023-04-11. Review status: criteria provided, single submitter. Criteria: ACMG Guidelines, 2015. Collection method: clinical testing. Allele origin: germline.
Comment: This variant is located in the 5' untranslated region of the PMS2 gene. To our knowledge, functional studies have not been reported for this variant. This variant has not been reported in individuals affected with PMS2-related disorders in the literature. This variant has not been identified in the general population by the Genome Aggregation Database (gnomAD). The available evidence is insufficient to determine the role of this variant in disease conclusively. Therefore, this variant is classified as a Variant of Uncertain Significance.

NM_000535.7(PMS2):c.-6G>A

Gene: PMS2 (PMS1 homolog 2, mismatch repair system component; minus strand). Cytogenetic location: 7p22.1.
Variant type: single nucleotide variant.
Coding change: c.-6G>A on transcript NM_000535.7 (MANE Select); 6 bases upstream of the start codon, G replaced by A.
Molecular consequence: 5 prime UTR variant. On other transcripts: non-coding transcript variant (1).
Genome position (GRCh38, 1-based): chr7:6,009,025, C>T on the plus strand (G>A on the coding strand, the complement: PMS2 is on the minus strand). VCF-style: chr7-6009025-C-T. GRCh37 (hg19) VCF-style: chr7-6048656-C-T.
Other names: c.-406G>A (NM_001322003.2, NM_001322013.2); c.-271G>A (NM_001322004.2, NM_001322010.2); c.-601G>A (NM_001322005.2); c.-6G>A (NM_001322006.2, NM_001322014.2); c.-221G>A (NM_001322007.2); c.-81G>A (NM_001322008.2); c.-596G>A (NM_001322009.2); c.-890G>A (NM_001322011.2); and 2 more.
Identifiers: ClinVar variation 1171086 (VCV001171086.5), dbSNP rs1260600705, ClinGen allele CA840354253.
Genomic context (GRCh38, chr7:6,009,025, plus strand): 5'-GGGGACACCGGAAGACTGCGAGCCCCGCTCACCTCGAGCTCTCAGCTCGCTCCATGGATG[C>T]AACACCCGATCCGCCTCGGGGACTGGGAAAGTTCCCTCCAGGGCTCCCACAGGCGCTCCG-3'